The following is an entry in ClinVar:

NM_213720.3(CHCHD10):c.103G>T (p.Ala35Ser)

Gene: CHCHD10 (coiled-coil-helix-coiled-coil-helix domain containing 10; minus strand). Cytogenetic location: 22q11.23.
Variant type: single nucleotide variant.
Coding change: c.103G>T on transcript NM_213720.3 (MANE Select); coding-DNA position 103, G replaced by T.
Protein change: p.Ala35Ser; replaces alanine 35 with serine.
Molecular consequence: missense variant. On other transcripts: non-coding transcript variant (1).
Genome position (GRCh38, 1-based): chr22:23,767,532, C>A on the plus strand (G>T on the coding strand, the complement: CHCHD10 is on the minus strand). VCF-style: chr22-23767532-C-A. GRCh37 (hg19) VCF-style: chr22-24109719-C-A.
Other names: c.103G>T, p.Ala35Ser (NM_001301339.2); short protein forms A35S.
Identifiers: ClinVar variation 2578055 (VCV002578055.2), dbSNP rs762943183, ClinGen allele CA410916729.
Genomic context (GRCh38, chr22:23,767,532, plus strand): 5'-CCCCTGCGGCCGTGGTCGCCATCTGAGCCATGAGCCCCGGCTGGCCCGAAGGGGCGGGGG[C>A]TGGGGCGGCTGCCGAGGGCGGTGGGTGCGCGGGCGGGTGGGCAGAGGGCGCGGCTGGGCG-3'
Protein context (NP_998885.1, residues 25-45): AHPPPSAAAP[Ala35Ser]PAPSGQPGLM

ClinVar aggregate classification (germline): Uncertain significance (1 of 4 stars; one submission).

Submission:

GeneDx
Classification: Uncertain significance. Last evaluated: 2024-09-09. Review status: criteria provided, single submitter. Criteria: GeneDx Variant Classification Process June 2021. Collection method: clinical testing. Allele origin: germline. Affected: yes.
Comment: Not observed at significant frequency in large population cohorts (gnomAD); In silico analysis indicates that this missense variant does not alter protein structure/function; Has not been previously published as pathogenic or benign to our knowledge